The following is an entry in ClinVar:

NC_000010.10:g.(?_12111033)_(12162887_?)dup

Gene: DHTKD1 (dehydrogenase E1 and transketolase domain containing 1; plus strand). Cytogenetic location: 10p14.
Variant type: Duplication.
Identifiers: ClinVar variation 2426496 (VCV002426496.2).

ClinVar aggregate classification (germline): Uncertain significance (1 of 4 stars; one submission).

Conditions:
2-aminoadipic 2-oxoadipic aciduria (AAKAD). Also called: Aminoadipic aciduria; ALPHA-AMINOADIPIC AND ALPHA-KETOADIPIC ACIDURIA. Identifiers: Orphanet 79154, MedGen C1859817, MONDO:0008774, OMIM 204750.

Submission:

Labcorp Genetics (formerly Invitae), Labcorp
Classification: Uncertain significance for 2-aminoadipic 2-oxoadipic aciduria. Last evaluated: 2022-10-19. Review status: criteria provided, single submitter. Criteria: Invitae Variant Classification Sherloc (09022015). Collection method: clinical testing. Allele origin: germline.
Comment: A copy number gain of the genomic region encompassing the full coding sequence of the DHTKD1 gene has been identified. The boundaries of this event are unknown as they extend beyond the assayed region for this gene and therefore may encompass additional genes. As the precise location of this event is unknown, it may be in tandem or it may be located elsewhere in the genome. This variant has not been reported in the literature in individuals affected with DHTKD1-related conditions. In summary, the available evidence is currently insufficient to determine the role of this variant in disease. Therefore, it has been classified as a Variant of Uncertain Significance.